The following is an entry in ClinVar:

ClinVar aggregate classification (germline): Uncertain significance (1 of 4 stars; one submission).

Conditions:
Retinoblastoma (RB1). Also called: RETINOBLASTOMA, SOMATIC. Identifiers: Orphanet 790, MedGen C0035335, MeSH D012175, MONDO:0008380, OMIM 180200, HP:0009919. Disease mechanism: loss of function. Inheritance: Both sporadic and heritable forms are tested..

Submission:

Labcorp Genetics (formerly Invitae), Labcorp
Classification: Uncertain significance for Retinoblastoma. Last evaluated: 2025-03-09. Review status: criteria provided, single submitter. Criteria: Invitae Variant Classification Sherloc (09022015). Collection method: clinical testing. Allele origin: germline.
Comment: This variant occurs in a non-coding region of the RB1 gene. It does not change the encoded amino acid sequence of the RB1 protein. This variant is not present in population databases (gnomAD no frequency). This variant has not been reported in the literature in individuals affected with RB1-related conditions. Experimental studies and prediction algorithms are not available or were not evaluated, and the functional significance of this variant is currently unknown. In summary, the available evidence is currently insufficient to determine the role of this variant in disease. Therefore, it has been classified as a Variant of Uncertain Significance.

NC_000013.11:g.48303749T>A

Gene: RB1 (RB transcriptional corepressor 1; plus strand). Cytogenetic location: 13q14.2.
Variant type: single nucleotide variant.
Genome position: GRCh38 VCF-style: chr13-48303749-T-A. GRCh37 (hg19) VCF-style: chr13-48877885-T-A.
Other names: c.-164T>A (NM_000321.2).
Identifiers: ClinVar variation 4714676 (VCV004714676.1).